The following is an entry in ClinVar:

ClinVar aggregate classification (germline): Uncertain significance (1 of 4 stars; one submission).

Conditions:
Congenital myasthenic syndrome 8. Also called: Myasthenic syndrome, congenital, 8, with pre- and postsynaptic defects; MYASTHENIC SYNDROME, CONGENITAL, DUE TO AGRIN DEFICIENCY. Identifiers: Orphanet 590, MedGen C3808739, MONDO:0014052, OMIM 615120.

Allele frequency attached by ClinVar (database versions not stated): gnomAD 0.00001; gnomAD exomes 0.00001; TOPMed 0.00001.
gnomAD v4.1: 9 of 1,586,450 alleles (0.00057%); highest among the groups gnomAD compares: African/African-American, 0.0013%; no homozygotes.

Submission:

Labcorp Genetics (formerly Invitae), Labcorp
Classification: Uncertain significance for Congenital myasthenic syndrome 8. Last evaluated: 2022-03-11. Review status: criteria provided, single submitter. Criteria: Invitae Variant Classification Sherloc (09022015). Collection method: clinical testing. Allele origin: germline.
Comment: In summary, the available evidence is currently insufficient to determine the role of this variant in disease. Therefore, it has been classified as a Variant of Uncertain Significance. Algorithms developed to predict the effect of missense changes on protein structure and function are either unavailable or do not agree on the potential impact of this missense change (SIFT: "Deleterious"; PolyPhen-2: "Benign"; Align-GVGD: "Class C0"). This variant has not been reported in the literature in individuals affected with AGRN-related conditions. This variant is not present in population databases (gnomAD no frequency). This sequence change replaces aspartic acid, which is acidic and polar, with asparagine, which is neutral and polar, at codon 1068 of the AGRN protein (p.Asp1068Asn).

NM_198576.4(AGRN):c.3202G>A (p.Asp1068Asn)

Gene: AGRN (agrin; plus strand). Cytogenetic location: 1p36.33.
Variant type: single nucleotide variant.
Coding change: c.3202G>A on transcript NM_198576.4 (MANE Select); coding-DNA position 3202, G replaced by A.
Protein change: p.Asp1068Asn; replaces aspartic acid 1068 with asparagine.
Molecular consequence: missense variant.
Genome position (GRCh38, 1-based): chr1:1,046,687, G>A. VCF-style: chr1-1046687-G-A. GRCh37 (hg19) VCF-style: chr1-982067-G-A.
Other names: c.3202G>A, p.Asp1068Asn (NM_001305275.2); c.2887G>A, p.Asp963Asn (NM_001364727.2); short protein forms D1068N, D963N.
Identifiers: ClinVar variation 1902830 (VCV001902830.5), dbSNP rs1184005927, ClinGen allele CA337847696.